The following is an entry in ClinVar:

NM_004278.4(PIGL):c.725G>C (p.Arg242Pro)

Gene: PIGL (phosphatidylinositol glycan anchor biosynthesis class L; plus strand). Cytogenetic location: 17p11.2.
Variant type: single nucleotide variant.
Coding change: c.725G>C on transcript NM_004278.4 (MANE Select); coding-DNA position 725, G replaced by C.
Protein change: p.Arg242Pro; replaces arginine 242 with proline.
Molecular consequence: missense variant.
Genome position (GRCh38, 1-based): chr17:16,325,864, G>C. VCF-style: chr17-16325864-G-C. GRCh37 (hg19) VCF-style: chr17-16229178-G-C.
Other names: short protein forms R242P.
Identifiers: ClinVar variation 931657 (VCV000931657.11), dbSNP rs750654333, ClinGen allele CA8410043.

ClinVar aggregate classification (germline): Uncertain significance. Review status: criteria provided, multiple submitters, no conflicts (2 of 4 stars). 3 submissions from 3 submitters: Uncertain significance (3). Last evaluated 2024-05-07.

Conditions:
CHIME syndrome (CHIME). Also called: COLOBOMA, CONGENITAL HEART DISEASE, ICHTHYOSIFORM DERMATOSIS, IMPAIRED INTELLECTUAL DEVELOPMENT, AND EAR ANOMALIES SYNDROME; GLYCOSYLPHOSPHATIDYLINOSITOL BIOSYNTHESIS DEFECT 5. Identifiers: Orphanet 3474, MedGen C1848392, MONDO:0010221, OMIM 280000.

Allele frequency attached by ClinVar (database versions not stated): TOPMed 0.00001.
gnomAD v4.1: 22 of 1,613,668 alleles (0.0014%); highest among the groups gnomAD compares: Non-Finnish European, 0.0018%; no homozygotes.

Submissions (3):

Blueprint Genetics
Classification: Uncertain significance. Last evaluated: 2024-05-07. Review status: criteria provided, single submitter. Criteria: ACMG Guidelines, 2015. Collection method: clinical testing. Allele origin: germline.

Labcorp Genetics (formerly Invitae), Labcorp
Classification: Uncertain significance. Last evaluated: 2021-03-03. Review status: criteria provided, single submitter. Criteria: Invitae Variant Classification Sherloc (09022015). Collection method: clinical testing. Allele origin: germline.
Comment: This sequence change replaces arginine with proline at codon 242 of the PIGL protein (p.Arg242Pro). The arginine residue is highly conserved and there is a moderate physicochemical difference between arginine and proline. In summary, the available evidence is currently insufficient to determine the role of this variant in disease. Therefore, it has been classified as a Variant of Uncertain Significance. Algorithms developed to predict the effect of missense changes on protein structure and function are either unavailable or do not agree on the potential impact of this missense change (SIFT: "Deleterious"; PolyPhen-2: "Probably Damaging"; Align-GVGD: "Class C0"). This variant has not been reported in the literature in individuals with PIGL-related conditions. ClinVar contains an entry for this variant (Variation ID: 931657). This variant is present in population databases (rs750654333, ExAC 0.003%).

Centre for Mendelian Genomics, University Medical Centre Ljubljana
Classification: Uncertain significance for CHIME syndrome. Last evaluated: 2019-10-30. Review status: criteria provided, single submitter. Criteria: ACMG Guidelines, 2015. Collection method: clinical testing. Allele origin: unknown. Affected: yes.
Comment: This variant was classified as: Uncertain significance. The available evidence on this variant's pathogenicity is insufficient or conflicting. The following ACMG criteria were applied in classifying this variant: PM2,PP3.